The following is an entry in ClinVar:

ClinVar aggregate classification (germline): Likely pathogenic (1 of 4 stars; one submission).

Conditions:
Dilated cardiomyopathy 1G (CMD1G). Identifiers: Orphanet 154, MedGen C1858763, MONDO:0011400, OMIM 604145.
Autosomal recessive limb-girdle muscular dystrophy type 2J (LGMDR10). Also called: Limb-girdle muscular dystrophy, type 2J; MUSCULAR DYSTROPHY, LIMB-GIRDLE, AUTOSOMAL RECESSIVE 10. Identifiers: Orphanet 140922, MedGen C1837342, MONDO:0012127, OMIM 608807.

Submission:

Labcorp Genetics (formerly Invitae), Labcorp
Classification: Likely pathogenic for Dilated cardiomyopathy 1G; Autosomal recessive limb-girdle muscular dystrophy type 2J. Last evaluated: 2024-10-18. Review status: criteria provided, single submitter. Criteria: Invitae Variant Classification Sherloc (09022015). Collection method: clinical testing. Allele origin: germline.
Comment: This sequence change creates a premature translational stop signal (p.Trp7170Glyfs*8) in the TTN gene. While this is not anticipated to result in nonsense mediated decay, it is expected to create a truncated TTN protein. This variant is not present in population databases (gnomAD no frequency). This variant has not been reported in the literature in individuals affected with TTN-related conditions. ClinVar contains an entry for this variant (Variation ID: 655034). Algorithms developed to predict the effect of sequence changes on RNA splicing suggest that this variant may disrupt the consensus splice site. This variant is located in the I band of TTN (PMID: 25589632). Truncating variants in this region have been reported in individuals affected with autosomal recessive centronuclear myopathy (PMID: 23975875, internal data). Truncating variants in this region have also been identified in individuals affected with autosomal dominant dilated cardiomyopathy and/or cardio-related conditions (PMID: 27869827, 32964742, internal data). In summary, the currently available evidence indicates that the variant is pathogenic, but additional data are needed to prove that conclusively. Therefore, this variant has been classified as Likely Pathogenic.

Literature cited by the submitters: PubMed 25589632; PubMed 23975875; PubMed 27869827; PubMed 32964742.

NM_001267550.2(TTN):c.21507del (p.Trp7170fs)

Gene: TTN (titin; minus strand). Cytogenetic location: 2q31.2.
Variant type: Deletion.
Coding change: c.21507del on transcript NM_001267550.2 (MANE Select); coding-DNA position 21507, one base deleted (C; older notation c.21507delC).
Protein change: p.Trp7170fs; shifts the reading frame from tryptophan 7170.
Molecular consequence: frameshift variant. On other transcripts: intron variant (3).
Genome position (GRCh38, 1-based): chr2:178,723,593, G deleted on the plus strand (C on the coding strand, the reverse complement: TTN is on the minus strand). VCF-style (leftmost placement, unchanged base first): chr2-178723592-AG-A. GRCh37 (hg19) VCF-style: chr2-179588319-AG-A.
Other names: c.20556del, p.Trp6853fs (NM_001256850.1); c.17775del, p.Trp5926fs (NM_133378.4); c.13282+14489del (NM_003319.4); c.13858+14489del (NM_133437.4); c.13657+14489del (NM_133432.3); c.21507delC (NM_001267550.2); short protein forms W7170fs, W6853fs, W5926fs.
Identifiers: ClinVar variation 655034 (VCV000655034.9), dbSNP rs1578046154, ClinGen allele CA915942278.
Genomic context (GRCh38, chr2:178,723,592, plus strand): 5'-TGTCTTCAAAATAGATGTTGCACCGGTCTCCTTTCACTAGTTCTCTGGCACCTCTGAACC[AG>A]TTGACTTTGAATGGAGGGGTTCCTCTAATAACGCTTGTGAAGGTTACATTTTTGCCTGGT-3'